The following is an entry in ClinVar:

NM_000497.4(CYP11B1):c.1354G>C (p.Gly452Arg)

Genes: CYP11B1 (cytochrome P450 family 11 subfamily B member 1; minus strand), LOC106799833 (CYP11B1 recombination region; plus strand). Cytogenetic location: 8q24.3.
Variant type: single nucleotide variant.
Coding change: c.1354G>C on transcript NM_000497.4 (MANE Select); coding-DNA position 1354, G replaced by C.
Protein change: p.Gly452Arg; replaces glycine 452 with arginine.
Molecular consequence: missense variant. On other transcripts: intron variant (1).
Genome position (GRCh38, 1-based): chr8:142,875,001, C>G on the plus strand (G>C on the coding strand, the complement: CYP11B1 is on the minus strand). VCF-style: chr8-142875001-C-G. GRCh37 (hg19) VCF-style: chr8-143956417-C-G.
Other names: c.1200+233G>C (NM_001026213.1); short protein forms G452R.
Identifiers: ClinVar variation 2824606 (VCV002824606.3), dbSNP rs2488675359, ClinGen allele CA372391411.

ClinVar aggregate classification (germline): Uncertain significance (1 of 4 stars; one submission).

Submission:

Labcorp Genetics (formerly Invitae), Labcorp
Classification: Uncertain significance. Last evaluated: 2023-01-10. Review status: criteria provided, single submitter. Criteria: Invitae Variant Classification Sherloc (09022015). Collection method: clinical testing. Allele origin: germline.
Comment: Advanced modeling of protein sequence and biophysical properties (such as structural, functional, and spatial information, amino acid conservation, physicochemical variation, residue mobility, and thermodynamic stability) performed at Invitae indicates that this missense variant is expected to disrupt CYP11B1 protein function. This missense change has been observed in individual(s) with CYP11B1-related conditions (PMID: 32687482). This variant is not present in population databases (gnomAD no frequency). This sequence change replaces glycine, which is neutral and non-polar, with arginine, which is basic and polar, at codon 452 of the CYP11B1 protein (p.Gly452Arg). In summary, the available evidence is currently insufficient to determine the role of this variant in disease. Therefore, it has been classified as a Variant of Uncertain Significance.

Literature cited by the submitters: PubMed 32687482.